The following is an entry in ClinVar:

ClinVar aggregate classification (germline): Uncertain significance (1 of 4 stars; one submission).

Conditions:
TERF2-related disorder. Also called: TERF2-related condition.

Submission:

PreventionGenetics, part of Exact Sciences
Classification: Uncertain significance for TERF2-related condition. Last evaluated: 2025-08-05. Review status: criteria provided, single submitter. Criteria: ACMG Guidelines, 2015. Collection method: clinical testing. Allele origin: germline.
Comment: The TERF2 c.880A>C variant is predicted to result in the amino acid substitution p.Ser294Arg. To our knowledge, this variant has not been reported in the literature or in a large population database (gnomAD), indicating this variant is rare. At this time, the clinical significance of this variant is uncertain due to the absence of conclusive functional and genetic evidence.

NM_005652.5(TERF2):c.880A>C (p.Ser294Arg)

Gene: TERF2 (telomeric repeat binding factor 2; minus strand). Cytogenetic location: 16q22.1.
Variant type: single nucleotide variant.
Coding change: c.880A>C on transcript NM_005652.5 (MANE Select); coding-DNA position 880, A replaced by C.
Protein change: p.Ser294Arg; replaces serine 294 with arginine.
Molecular consequence: missense variant.
Genome position (GRCh38, 1-based): chr16:69,368,443, T>G on the plus strand (A>C on the coding strand, the complement: TERF2 is on the minus strand). VCF-style: chr16-69368443-T-G. GRCh37 (hg19) VCF-style: chr16-69402346-T-G.
Other names: short protein forms S294R.
Identifiers: ClinVar variation 2635710 (VCV002635710.2), dbSNP rs2543397056, ClinGen allele CA396511459.
Genomic context (GRCh38, chr16:69,368,443, plus strand): 5'-GTTCTCTGGGTGGCTTTTCCACAGGCCCTGGTGCTGGCTGTTTATCTTCCTTCCCTGTAC[T>G]TGAGGCAGCGGACTCAGATTTCAAAGCCTTTTTGGCCATCTGGGAAAGGAAGGATGTCAT-3'
Protein context (NP_005643.2, residues 284-304): KALKSESAAS[Ser294Arg]TGKEDKQPAP